The following is an entry in ClinVar:

NM_001387283.1(SMARCA4):c.4257T>A (p.Arg1419=)

Gene: SMARCA4 (SWI/SNF related BAF chromatin remodeling complex subunit ATPase 4; plus strand). Cytogenetic location: 19p13.2.
Variant type: single nucleotide variant.
Coding change: c.4257T>A on transcript NM_001387283.1 (MANE Plus Clinical); coding-DNA position 4257, T replaced by A.
Protein change: p.Arg1419=; no amino-acid change (arginine 1419 retained).
Molecular consequence: synonymous variant. On other transcripts: intron variant (7).
Genome position (GRCh38, 1-based): chr19:11,039,544, T>A. VCF-style: chr19-11039544-T-A. GRCh37 (hg19) VCF-style: chr19-11150220-T-A.
Other names: c.4257T>A, p.Arg1419= (NM_001128849.3); c.4171-1763T>A (NM_001128844.3, NM_003072.5); c.4072-1763T>A (NM_001128847.4, NM_001374457.1, NM_001128848.2); c.4072-1754T>A (NM_001128845.2, NM_001128846.2).
Identifiers: ClinVar variation 238458 (VCV000238458.13), dbSNP rs878854222, ClinGen allele CA10583752.

ClinVar aggregate classification (germline): Conflicting classifications of pathogenicity. Review status: criteria provided, conflicting classifications (1 of 4 stars). 3 submissions from 3 submitters: Uncertain significance (1); Likely benign (2). Last evaluated 2024-04-29.

Conditions:
Hereditary cancer-predisposing syndrome. Also called: Neoplastic Syndromes, Hereditary; Hereditary neoplastic syndrome; Tumor predisposition; Hereditary Cancer Syndrome. Identifiers: Orphanet 140162, MedGen C0027672, MeSH D009386, MONDO:0015356.
Rhabdoid tumor predisposition syndrome 2 (RTPS2). Identifiers: Orphanet 231108, Orphanet 69077, MedGen C2750074, MONDO:0013224, OMIM 613325.

gnomAD v4.1: 4 of 1,597,344 alleles (0.00025%); highest among the groups gnomAD compares: Non-Finnish European, 0.00034%; no homozygotes.

Submissions (3):

Labcorp Genetics (formerly Invitae), Labcorp
Classification: Likely benign for Rhabdoid tumor predisposition syndrome 2. Last evaluated: 2024-04-29. Review status: criteria provided, single submitter. Criteria: Invitae Variant Classification Sherloc (09022015). Collection method: clinical testing. Allele origin: germline.

GeneDx
Classification: Uncertain significance. Last evaluated: 2024-01-29. Review status: criteria provided, single submitter. Criteria: GeneDx Variant Classification Process June 2021. Collection method: clinical testing. Allele origin: germline. Affected: yes.
Comment: Not observed at significant frequency in large population cohorts (gnomAD); In silico analysis supports that this variant does not alter splicing; Has not been previously published as pathogenic or benign to our knowledge

Ambry Genetics
Classification: Likely benign for Hereditary cancer-predisposing syndrome. Last evaluated: 2015-12-12. Review status: criteria provided, single submitter. Criteria: Ambry Variant Classification Scheme 2023. Collection method: clinical testing. Allele origin: germline.